The following is an entry in ClinVar:

ClinVar aggregate classification (germline): Uncertain significance (1 of 4 stars; one submission).

Conditions:
Retinitis pigmentosa 71 (RP71). Identifiers: Orphanet 791, MedGen C4225342, MONDO:0014618, OMIM 616394.
Short-rib thoracic dysplasia 10 with or without polydactyly (SRTD10). Identifiers: Orphanet 474, MedGen C3810175, MONDO:0014284, OMIM 615630.

Allele frequency attached by ClinVar (database versions not stated): gnomAD 0.00001.
gnomAD v4.1: 2 of 1,614,002 alleles (0.00012%); no homozygotes.

Submission:

Labcorp Genetics (formerly Invitae), Labcorp
Classification: Uncertain significance for Retinitis pigmentosa 71; Short-rib thoracic dysplasia 10 with or without polydactyly. Last evaluated: 2024-02-24. Review status: criteria provided, single submitter. Criteria: Invitae Variant Classification Sherloc (09022015). Collection method: clinical testing. Allele origin: germline.
Comment: This sequence change replaces alanine, which is neutral and non-polar, with valine, which is neutral and non-polar, at codon 1546 of the IFT172 protein (p.Ala1546Val). This variant is present in population databases (no rsID available, gnomAD 0.03%). This variant has not been reported in the literature in individuals affected with IFT172-related conditions. ClinVar contains an entry for this variant (Variation ID: 1063668). Advanced modeling of protein sequence and biophysical properties (such as structural, functional, and spatial information, amino acid conservation, physicochemical variation, residue mobility, and thermodynamic stability) performed at Invitae indicates that this missense variant is not expected to disrupt IFT172 protein function with a negative predictive value of 80%. In summary, the available evidence is currently insufficient to determine the role of this variant in disease. Therefore, it has been classified as a Variant of Uncertain Significance.

NM_015662.3(IFT172):c.4637C>T (p.Ala1546Val)

Gene: IFT172 (intraflagellar transport 172; minus strand). Cytogenetic location: 2p23.3.
Variant type: single nucleotide variant.
Coding change: c.4637C>T on transcript NM_015662.3 (MANE Select); coding-DNA position 4637, C replaced by T.
Protein change: p.Ala1546Val; replaces alanine 1546 with valine.
Molecular consequence: missense variant.
Genome position (GRCh38, 1-based): chr2:27,447,537, G>A on the plus strand (C>T on the coding strand, the complement: IFT172 is on the minus strand). VCF-style: chr2-27447537-G-A. GRCh37 (hg19) VCF-style: chr2-27670404-G-A.
Other names: short protein forms A1546V.
Identifiers: ClinVar variation 1063668 (VCV001063668.9), dbSNP rs1290255701, ClinGen allele CA346416497.